The following is an entry in ClinVar:

NM_005559.4(LAMA1):c.7875C>T (p.Val2625=)

Gene: LAMA1 (laminin subunit alpha 1; minus strand). Cytogenetic location: 18p11.31.
Variant type: single nucleotide variant.
Coding change: c.7875C>T on transcript NM_005559.4 (MANE Select); coding-DNA position 7875, C replaced by T.
Protein change: p.Val2625=; no amino-acid change (valine 2625 retained).
Molecular consequence: synonymous variant.
Genome position (GRCh38, 1-based): chr18:6,958,566, G>A on the plus strand (C>T on the coding strand, the complement: LAMA1 is on the minus strand). VCF-style: chr18-6958566-G-A. GRCh37 (hg19) VCF-style: chr18-6958565-G-A.
Identifiers: ClinVar variation 1169073 (VCV001169073.21), dbSNP rs114578861, ClinGen allele CA8880757.

ClinVar aggregate classification (germline): Benign/Likely benign. Review status: criteria provided, multiple submitters, no conflicts (2 of 4 stars). 4 submissions from 4 submitters: Benign (1); Likely benign (3). Last evaluated 2025-05-01.

Allele frequency attached by ClinVar (database versions not stated): TOPMed 0.00002; gnomAD 0.00004 and 0.00005; gnomAD exomes 0.00006 and 0.00013; ESP Exome Variant Server 0.00008; ExAC 0.00026; 1000 Genomes Project 30x 0.00031; 1000 Genomes Project 0.00040.
gnomAD v4.1: 105 of 1,614,046 alleles (0.0065%); highest among the groups gnomAD compares: Non-Finnish European, 0.0075%; 2 homozygotes.

Submissions (4):

CeGaT Center for Human Genetics Tuebingen
Classification: Likely benign. Last evaluated: 2025-05-01. Review status: criteria provided, single submitter. Criteria: CeGaT Center For Human Genetics Tuebingen Variant Classification Criteria Version 2. Collection method: clinical testing. Allele origin: germline. Affected: yes. Observed: 1 variant allele.
Comment: LAMA1: BP4, BP7

Labcorp Genetics (formerly Invitae), Labcorp
Classification: Benign. Last evaluated: 2024-10-30. Review status: criteria provided, single submitter. Criteria: Invitae Variant Classification Sherloc (09022015). Collection method: clinical testing. Allele origin: germline.

Blueprint Genetics
Classification: Likely benign. Last evaluated: 2024-10-07. Review status: criteria provided, single submitter. Criteria: ACMG Guidelines, 2015. Collection method: clinical testing. Allele origin: germline.

Women's Health and Genetics/Laboratory Corporation of America, LabCorp
Classification: Likely benign. Last evaluated: 2023-10-16. Review status: criteria provided, single submitter. Criteria: LabCorp Variant Classification Summary - May 2015. Collection method: clinical testing. Allele origin: germline.